The following is an entry in ClinVar:

ClinVar aggregate classification (germline): Likely benign (1 of 4 stars; one submission).

gnomAD v4.1: 3 of 1,613,652 alleles (0.00019%); highest among the groups gnomAD compares: Non-Finnish European, 0.00025%; no homozygotes.

Submission:

CeGaT Center for Human Genetics Tuebingen
Classification: Likely benign. Last evaluated: 2026-08-01. Review status: criteria provided, single submitter. Criteria: CeGaT Center For Human Genetics Tuebingen Variant Classification Criteria Version 2. Collection method: clinical testing. Allele origin: germline. Affected: yes. Observed: 1 variant allele.
Comment: GLB1: BP4, BP7

NM_000404.4(GLB1):c.225T>C (p.Ala75=)

Gene: GLB1 (galactosidase beta 1; minus strand). Cytogenetic location: 3p22.3.
Variant type: single nucleotide variant.
Coding change: c.225T>C on transcript NM_000404.4 (MANE Select); coding-DNA position 225, T replaced by C.
Protein change: p.Ala75=; no amino-acid change (alanine 75 retained).
Molecular consequence: synonymous variant.
Genome position (GRCh38, 1-based): chr3:33,072,564, A>G on the plus strand (T>C on the coding strand, the complement: GLB1 is on the minus strand). VCF-style: chr3-33072564-A-G. GRCh37 (hg19) VCF-style: chr3-33114056-A-G.
Other names: c.135T>C, p.Ala45= (NM_001079811.3); c.225T>C, p.Ala75= (NM_001135602.3, NM_001393580.1); c.369T>C, p.Ala123= (NM_001317040.2).
Identifiers: ClinVar variation 5040618 (VCV005040618.1).